The following is an entry in ClinVar:

ClinVar aggregate classification (germline): Benign/Likely benign. Review status: criteria provided, multiple submitters, no conflicts (2 of 4 stars). 4 submissions from 4 submitters: Benign (1); Likely benign (3). Last evaluated 2025-06-03.

Conditions:
Hereditary nonpolyposis colorectal neoplasms. Identifiers: MedGen C0009405, MeSH D003123.
Lynch syndrome 4 (LYNCH4). Also called: Colorectal cancer, hereditary nonpolyposis, type 4; Hereditary non-polyposis colorectal cancer, type 4. Identifiers: Orphanet 144, MedGen C1838333, MONDO:0013699, OMIM 614337. Disease mechanism: loss of function.
Hereditary cancer-predisposing syndrome. Also called: Hereditary neoplastic syndrome; Tumor predisposition; Hereditary Cancer Syndrome; Neoplastic Syndromes, Hereditary. Identifiers: Orphanet 140162, MedGen C0027672, MeSH D009386, MONDO:0015356.

Allele frequency attached by ClinVar (database versions not stated): gnomAD exomes below 0.00001.
gnomAD v4.1: 2 of 1,614,124 alleles (0.00012%); highest among the groups gnomAD compares: South Asian, 0.0022%; no homozygotes.

Submissions (4):

Labcorp Genetics (formerly Invitae), Labcorp
Classification: Likely benign for Hereditary nonpolyposis colorectal neoplasms. Last evaluated: 2025-06-03. Review status: criteria provided, single submitter. Criteria: Invitae Variant Classification Sherloc (09022015). Collection method: clinical testing. Allele origin: germline.

Myriad Genetics, Inc.
Classification: Benign for Lynch syndrome 4. Last evaluated: 2025-01-27. Review status: criteria provided, single submitter. Criteria: Myriad Autosomal Dominant, Autosomal Recessive and X-Linked Classification Criteria (2023). Collection method: clinical testing. Allele origin: unknown.
Comment: This variant is considered benign. This variant is a silent/synonymous amino acid change and it is not expected to impact splicing.

Color Diagnostics, LLC DBA Color Health
Classification: Likely benign for Hereditary cancer-predisposing syndrome. Last evaluated: 2016-10-08. Review status: criteria provided, single submitter. Criteria: ACMG Guidelines, 2015. Collection method: clinical testing. Allele origin: germline.

Ambry Genetics
Classification: Likely benign for Hereditary cancer-predisposing syndrome. Last evaluated: 2016-10-05. Review status: criteria provided, single submitter. Criteria: Ambry Variant Classification Scheme 2023. Collection method: clinical testing. Allele origin: germline.

NM_000535.7(PMS2):c.639T>C (p.Pro213=)

Gene: PMS2 (PMS1 homolog 2, mismatch repair system component; minus strand). Cytogenetic location: 7p22.1.
Variant type: single nucleotide variant.
Coding change: c.639T>C on transcript NM_000535.7 (MANE Select); coding-DNA position 639, T replaced by C.
Protein change: p.Pro213=; no amino-acid change (proline 213 retained).
Molecular consequence: synonymous variant. On other transcripts: 5 prime UTR variant (2), non-coding transcript variant (1), intron variant (1).
Genome position (GRCh38, 1-based): chr7:5,999,174, A>G on the plus strand (T>C on the coding strand, the complement: PMS2 is on the minus strand). VCF-style: chr7-5999174-A-G. GRCh37 (hg19) VCF-style: chr7-6038805-A-G.
Other names: c.234T>C, p.Pro78= (NM_001322004.2, NM_001322005.2, NM_001322009.2 and 2 more transcripts); c.639T>C, p.Pro213= (NM_001322006.2, NM_001322014.2); c.321T>C, p.Pro107= (NM_001322007.2, NM_001322008.2); c.-295T>C (NM_001322011.2, NM_001322012.2); c.330T>C, p.Pro110= (NM_001322015.2); c.133-1751T>C (NM_001322013.2).
Identifiers: ClinVar variation 492286 (VCV000492286.16), dbSNP rs1210294498, ClinGen allele CA453646914.